The following is an entry in ClinVar:

ClinVar aggregate classification (germline): Uncertain significance. Review status: criteria provided, multiple submitters, no conflicts (2 of 4 stars). 2 submissions from 2 submitters: Uncertain significance (2). Last evaluated 2023-05-04.

Conditions:
Hereditary cancer-predisposing syndrome. Also called: Hereditary neoplastic syndrome; Neoplastic Syndromes, Hereditary; Tumor predisposition; Hereditary Cancer Syndrome. Identifiers: Orphanet 140162, MedGen C0027672, MeSH D009386, MONDO:0015356.
Ataxia-telangiectasia syndrome (AT). Also called: Ataxia-telangiectasia, complementation group D; AT, COMPLEMENTATION GROUP C; ATAXIA-TELANGIECTASIA, COMPLEMENTATION GROUP A; ATAXIA-TELANGIECTASIA, FRESNO VARIANT; Ataxia-telangiectasia; Cerebello-oculocutaneous telangiectasia. Identifiers: Orphanet 100, MedGen C0004135, MONDO:0008840, OMIM 208900.

Allele frequency attached by ClinVar (database versions not stated): gnomAD exomes below 0.00001.
gnomAD v4.1: 1 of 1,613,922 alleles (0.000062%); highest among the groups gnomAD compares: Non-Finnish European, 0.000085%; no homozygotes.

Submissions (2):

Ambry Genetics
Classification: Uncertain significance for Hereditary cancer-predisposing syndrome. Last evaluated: 2023-05-04. Review status: criteria provided, single submitter. Criteria: Ambry General Variant Classification Scheme_2022. Collection method: clinical testing. Allele origin: germline.
Comment: The p.L348S variant (also known as c.1043T>C), located in coding exon 7 of the ATM gene, results from a T to C substitution at nucleotide position 1043. The leucine at codon 348 is replaced by serine, an amino acid with dissimilar properties. This amino acid position is highly conserved in available vertebrate species. In addition, this alteration is predicted to be deleterious by in silico analysis. Since supporting evidence is limited at this time, the clinical significance of this alteration remains unclear.

Labcorp Genetics (formerly Invitae), Labcorp
Classification: Uncertain significance for Ataxia-telangiectasia syndrome. Last evaluated: 2020-09-08. Review status: criteria provided, single submitter. Criteria: Invitae Variant Classification Sherloc (09022015). Collection method: clinical testing. Allele origin: germline.
Comment: This sequence change replaces leucine with serine at codon 348 of the ATM protein (p.Leu348Ser). The leucine residue is highly conserved and there is a large physicochemical difference between leucine and serine. This variant is not present in population databases (ExAC no frequency). This variant has not been reported in the literature in individuals with ATM-related conditions. Advanced modeling of protein sequence and biophysical properties (such as structural, functional, and spatial information, amino acid conservation, physicochemical variation, residue mobility, and thermodynamic stability) performed at Invitae indicates that this missense variant is not expected to disrupt ATM protein function. In summary, the available evidence is currently insufficient to determine the role of this variant in disease. Therefore, it has been classified as a Variant of Uncertain Significance.

NM_000051.4(ATM):c.1043T>C (p.Leu348Ser)

Gene: ATM (ATM serine/threonine kinase; plus strand). Cytogenetic location: 11q22.3.
Variant type: single nucleotide variant.
Coding change: c.1043T>C on transcript NM_000051.4 (MANE Select); coding-DNA position 1043, T replaced by C.
Protein change: p.Leu348Ser; replaces leucine 348 with serine.
Molecular consequence: missense variant.
Genome position (GRCh38, 1-based): chr11:108,247,105, T>C. VCF-style: chr11-108247105-T-C. GRCh37 (hg19) VCF-style: chr11-108117832-T-C.
Other names: c.1043T>C, p.Leu348Ser (NM_001351834.2); c.1043T>C (NM_000051.3); short protein forms L348S.
Identifiers: ClinVar variation 1000876 (VCV001000876.9), dbSNP rs2079890107, ClinGen allele CA382531711.